The following is an entry in ClinVar:

NM_001252024.2(TRPM1):c.551G>A (p.Arg184Gln)

Gene: TRPM1 (transient receptor potential cation channel subfamily M member 1; minus strand). Cytogenetic location: 15q13.3.
Variant type: single nucleotide variant.
Coding change: c.551G>A on transcript NM_001252024.2 (MANE Select); coding-DNA position 551, G replaced by A.
Protein change: p.Arg184Gln; replaces arginine 184 with glutamine.
Molecular consequence: missense variant.
Genome position (GRCh38, 1-based): chr15:31,067,130, C>T on the plus strand (G>A on the coding strand, the complement: TRPM1 is on the minus strand). VCF-style: chr15-31067130-C-T. GRCh37 (hg19) VCF-style: chr15-31359333-C-T.
Other names: c.602G>A, p.Arg201Gln (NM_001252020.2); c.485G>A, p.Arg162Gln (NM_002420.6); c.602G>A (NM_001252020.1); short protein forms R201Q, R162Q, R184Q.
Identifiers: ClinVar variation 887452 (VCV000887452.17), dbSNP rs188852505, ClinGen allele CA7452913.

ClinVar aggregate classification (germline): Conflicting classifications of pathogenicity. Review status: criteria provided, conflicting classifications (1 of 4 stars). 7 submissions from 7 submitters: Uncertain significance (4); Likely benign (1). 2 of the submissions do not count toward it. Last evaluated 2026-09-17.

Conditions:
Congenital stationary night blindness 1C. Also called: Night blindness, congenital stationary (complete), 1C, autosomal recessive. Identifiers: Orphanet 215, MedGen C2750747, MONDO:0013183, OMIM 613216.
TRPM1-related disorder. Also called: TRPM1-related condition.

Allele frequency attached by ClinVar (database versions not stated): 1000 Genomes Project 30x 0.00016; 1000 Genomes Project 0.00020; gnomAD 0.00041 and 0.00044; TOPMed 0.00043; ESP Exome Variant Server 0.00058; gnomAD exomes 0.00077 and 0.00091; ExAC 0.00104.
gnomAD v4.1: 1,392 of 1,614,140 alleles (0.086%); highest among the groups gnomAD compares: Non-Finnish European, 0.11%; 2 homozygotes.

Submissions (8):

PreventionGenetics, part of Exact Sciences
Classification: Uncertain significance for TRPM1-related condition. Last evaluated: 2026-09-17. Review status: criteria provided, single submitter. Criteria: ACMG Guidelines, 2015. Collection method: clinical testing. Allele origin: germline.
Comment: The TRPM1 c.602G>A variant is predicted to result in the amino acid substitution p.Arg201Gln. To our knowledge, this variant has not been reported in the literature in association with retinal disease. This variant is reported in 0.13% of alleles in individuals of European (Non-Finnish) descent in gnomAD, which may be too frequent to be a primary cause of disease. Although we suspect that this variant may be benign, the clinical significance of this variant is currently classified as uncertain due to the absence of conclusive functional and genetic evidence.

Labcorp Genetics (formerly Invitae), Labcorp
Classification: Likely benign. Last evaluated: 2025-11-04. Review status: criteria provided, single submitter. Criteria: Invitae Variant Classification Sherloc (09022015). Collection method: clinical testing. Allele origin: germline.

Blueprint Genetics
Classification: Uncertain significance. Last evaluated: 2024-10-18. Review status: criteria provided, single submitter. Criteria: ACMG Guidelines, 2015. Collection method: clinical testing. Allele origin: germline.

Illumina Laboratory Services, Illumina
Classification: Uncertain significance for Congenital stationary night blindness 1C. Last evaluated: 2018-01-12. Review status: criteria provided, single submitter. Criteria: ICSL Variant Classification Criteria 13 December 2019. Collection method: clinical testing. Allele origin: germline.

Breakthrough Genomics
Classification: Uncertain significance. Review status: criteria provided, single submitter. Criteria: ACMG Guidelines, 2015. Collection method: not provided. Allele origin: germline. Inheritance: Unknown mechanism. Affected: yes.

Clinical Genetics DNA and cytogenetics Diagnostics Lab, Erasmus MC, Erasmus Medical Center
Classification: Uncertain significance. Review status: no assertion criteria provided. Collection method: clinical testing. Allele origin: germline. Affected: yes. Study: VKGL Data-share Consensus. Not counted in ClinVar's aggregate classification.

Dr. Peter K. Rogan Lab, Western University
No classification provided (evidence only). Condition: Melanoma. Review status: no classification provided. Collection method: in vitro. Allele origin: not applicable. Functional consequence: skipped exon. Not counted in ClinVar's aggregate classification.

Joint Genome Diagnostic Labs from Nijmegen and Maastricht, Radboudumc and MUMC+
Classification: Uncertain significance. Review status: no assertion criteria provided. Collection method: clinical testing. Allele origin: germline. Affected: yes. Study: VKGL Data-share Consensus. Not counted in ClinVar's aggregate classification.